The following is an entry in ClinVar:

NM_003839.4(TNFRSF11A):c.76-4_83dup

Gene: TNFRSF11A (TNF receptor superfamily member 11a; plus strand). Cytogenetic location: 18q21.33.
Variant type: Duplication.
Coding change: c.76-4_83dup on transcript NM_003839.4 (MANE Select); 4 bases into the intron before coding-DNA position 76 through coding-DNA position 83, 12 bases duplicated (TCAGGTGGCTTT).
Molecular consequence: splice acceptor variant.
Genome position (GRCh38, 1-based): chr18:62,348,164-62,348,175, TCAGGTGGCTTT duplicated; duplicating any 12 consecutive bases within chr18:62,348,160-62,348,175 gives the same sequence; the c. name uses the placement nearest the transcript's 3' end. VCF-style (leftmost placement, unchanged base first): chr18-62348159-T-TCTTTTCAGGTGG. GRCh37 (hg19) VCF-style: chr18-60015392-T-TCTTTTCAGGTGG.
Other names: c.76-4_83dup (NM_001270949.2, NM_001270950.2, NM_001270951.2 and 1 more transcripts).
Identifiers: ClinVar variation 1465330 (VCV001465330.6), dbSNP rs2046413007, ClinGen allele CA2308280167.
Genomic context (GRCh38, chr18:62,348,159, plus strand): 5'-TTTGTTTTACCTAGTTTTATCCAGAAAGAGCTGTGTGGACTCTCTGCCTGACCTCAGTGT[T>TCTTTTCAGGTGG]CTTTTCAGGTGGCTTTGCAGATCGCTCCTCCATGTACCAGTGAGAAGCATTATGAGCATC-3'

ClinVar aggregate classification (germline): Uncertain significance (1 of 4 stars; one submission).

Submission:

Labcorp Genetics (formerly Invitae), Labcorp
Classification: Uncertain significance. Last evaluated: 2021-05-08. Review status: criteria provided, single submitter. Criteria: Invitae Variant Classification Sherloc (09022015). Collection method: clinical testing. Allele origin: germline.
Comment: This variant, c.76-4_83dup, results in the insertion of four amino acid(s) to the TNFRSF11A protein (p.Ala27_Leu28insPheGlnValAla), but otherwise preserves the integrity of the reading frame. It affects a nucleotide within the consensus splice site of the intron. In summary, the available evidence is currently insufficient to determine the role of this variant in disease. Therefore, it has been classified as a Variant of Uncertain Significance. Nucleotide substitutions within the consensus splice site are a relatively common cause of aberrant splicing (PMID: 17576681, 9536098). Algorithms developed to predict the effect of sequence changes on RNA splicing suggest that this variant may create or strengthen a splice site, but this prediction has not been confirmed by published transcriptional studies. This variant has not been reported in the literature in individuals with TNFRSF11A-related conditions. This variant is not present in population databases (ExAC no frequency).

Literature cited by the submitters: PubMed 17576681; PubMed 9536098.